The following is an entry in ClinVar:

NM_000321.3(RB1):c.719-11C>T

Gene: RB1 (RB transcriptional corepressor 1; plus strand). Cytogenetic location: 13q14.2.
Variant type: single nucleotide variant.
Coding change: c.719-11C>T on transcript NM_000321.3 (MANE Select); 11 bases into the intron before coding-DNA position 719, C replaced by T.
Molecular consequence: intron variant.
Genome position (GRCh38, 1-based): chr13:48,362,804, C>T. VCF-style: chr13-48362804-C-T. GRCh37 (hg19) VCF-style: chr13-48936940-C-T.
Identifiers: ClinVar variation 1570874 (VCV001570874.9), dbSNP rs919154164, ClinGen allele CA249274376.

ClinVar aggregate classification (germline): Likely benign. Review status: criteria provided, multiple submitters, no conflicts (2 of 4 stars). 3 submissions from 3 submitters: Likely benign (3). Last evaluated 2026-06-18.

Conditions:
Retinoblastoma (RB1). Also called: RETINOBLASTOMA, SOMATIC. Identifiers: Orphanet 790, MedGen C0035335, MeSH D012175, MONDO:0008380, OMIM 180200, HP:0009919. Disease mechanism: loss of function. Inheritance: Both sporadic and heritable forms are tested..

Allele frequency attached by ClinVar (database versions not stated): gnomAD exomes below 0.00001.

Submissions (3):

Myriad Genetics, Inc.
Classification: Likely benign for Retinoblastoma. Last evaluated: 2026-06-18. Review status: criteria provided, single submitter. Criteria: Myriad Autosomal Dominant, Autosomal Recessive and X-Linked Classification Criteria (2023). Collection method: clinical testing. Allele origin: unknown.
Comment: This variant is considered likely benign. This variant is intronic and is not expected to impact mRNA splicing.

Labcorp Genetics (formerly Invitae), Labcorp
Classification: Likely benign for Retinoblastoma. Last evaluated: 2025-09-22. Review status: criteria provided, single submitter. Criteria: Invitae Variant Classification Sherloc (09022015). Collection method: clinical testing. Allele origin: germline.

Color Diagnostics, LLC DBA Color Health
Classification: Likely benign for Retinoblastoma. Last evaluated: 2022-05-12. Review status: criteria provided, single submitter. Criteria: ACMG Guidelines, 2015. Collection method: clinical testing. Allele origin: germline.